The following is an entry in ClinVar:

NM_025114.4(CEP290):c.3912dup (p.Lys1305fs)

Gene: CEP290 (centrosomal protein 290; minus strand). Cytogenetic location: 12q21.32.
Variant type: Duplication.
Coding change: c.3912dup on transcript NM_025114.4 (MANE Select); coding-DNA position 3912, one base duplicated (G; older notation c.3912dupG).
Protein change: p.Lys1305fs; shifts the reading frame from lysine 1305.
Molecular consequence: frameshift variant.
Genome position (GRCh38, 1-based): chr12:88,089,149, C duplicated on the plus strand (G on the coding strand, the reverse complement: CEP290 is on the minus strand). VCF-style (leftmost placement, unchanged base first): chr12-88089148-T-TC. GRCh37 (hg19) VCF-style: chr12-88482925-T-TC.
Other names: short protein forms K1305fs.
Identifiers: ClinVar variation 4816212 (VCV004816212.1).

ClinVar aggregate classification (germline): Likely pathogenic (1 of 4 stars; one submission).

Conditions:
Leber congenital amaurosis (LCA). Also called: Leber's amaurosis. Identifiers: Orphanet 65, MedGen C0339527, MeSH D057130, MONDO:0018998.

Submission:

Natera, Inc.
Classification: Likely pathogenic for Leber congenital amaurosis. Last evaluated: 2024-09-03. Review status: criteria provided, single submitter. Criteria: Natera Variant Classification Schema (03/2026). Collection method: clinical testing. Allele origin: germline.
Comment: The c.3912dup variant in CEP290 is a frameshift variant predicted to shift the reading frame beginning at codon 1305 and leads to a stop codon 8 codons downstream. This variant is expected to result in nonsense mediated decay, truncation, or a dysfunctional protein product. This variant is rare in the general population with a frequency below the threshold expected for the associated phenotype(s). Given the available evidence, this variant is classified as Likely Pathogenic.